The following is an entry in ClinVar:

NM_004380.3(CREBBP):c.6603G>A (p.Gln2201=)

Gene: CREBBP (CREB binding lysine acetyltransferase; minus strand). Cytogenetic location: 16p13.3.
Variant type: single nucleotide variant.
Coding change: c.6603G>A on transcript NM_004380.3 (MANE Select); coding-DNA position 6603, G replaced by A.
Protein change: p.Gln2201=; no amino-acid change (glutamine 2201 retained).
Molecular consequence: synonymous variant.
Genome position (GRCh38, 1-based): chr16:3,728,444, C>T on the plus strand (G>A on the coding strand, the complement: CREBBP is on the minus strand). VCF-style: chr16-3728444-C-T. GRCh37 (hg19) VCF-style: chr16-3778445-C-T.
Other names: c.6489G>A, p.Gln2163= (NM_001079846.1); c.6603G>A (NM_004380.2).
Identifiers: ClinVar variation 2894245 (VCV002894245.4), dbSNP rs570415368, ClinGen allele CA7869070.

ClinVar aggregate classification (germline): Likely benign. Review status: criteria provided, multiple submitters, no conflicts (2 of 4 stars). 2 submissions from 2 submitters: Likely benign (2). Last evaluated 2024-12-04.

Conditions:
CREBBP-related disorder. Also called: CREBBP-related condition; CREBBP-related disorders.
Rubinstein-Taybi syndrome (RSTS). Identifiers: Orphanet 783, MedGen C0035934, MONDO:0019188.

Allele frequency attached by ClinVar (database versions not stated): TOPMed 0.00006; 1000 Genomes Project 30x 0.00016; 1000 Genomes Project 0.00020; ExAC 0.00001; gnomAD exomes 0.00001; gnomAD 0.00005.

Submissions (2):

PreventionGenetics, part of Exact Sciences
Classification: Likely benign for CREBBP-related condition. Last evaluated: 2024-12-04. Review status: criteria provided, single submitter. Criteria: ACMG Guidelines, 2015. Collection method: clinical testing. Allele origin: germline.
Comment: This variant is classified as likely benign based on ACMG/AMP sequence variant interpretation guidelines (Richards et al. 2015 PMID: 25741868, with internal and published modifications).

Labcorp Genetics (formerly Invitae), Labcorp
Classification: Likely benign for Rubinstein-Taybi syndrome. Last evaluated: 2023-08-28. Review status: criteria provided, single submitter. Criteria: Invitae Variant Classification Sherloc (09022015). Collection method: clinical testing. Allele origin: germline.